The following is an entry in ClinVar:

ClinVar aggregate classification (germline): Uncertain significance (1 of 4 stars; one submission).

Conditions:
Neuropathy, hereditary sensory and autonomic, type 2A (HSAN2A). Also called: MORVAN DISEASE; NEUROPATHY, CONGENITAL SENSORY; NEUROPATHY, HEREDITARY SENSORY RADICULAR, AUTOSOMAL RECESSIVE; NEUROPATHY, HEREDITARY SENSORY, TYPE IIA; NEUROPATHY, PROGRESSIVE SENSORY, OF CHILDREN; WNK1-Related HSAN2 (HSAN2A). Identifiers: Orphanet 970, MedGen C2752089, MONDO:0024309, OMIM 201300.
Pseudohypoaldosteronism type 2C (PHA2C). Also called: Pseudohypoaldosteronism Type IIC. Identifiers: Orphanet 757, Orphanet 88940, MedGen C1840391, MONDO:0013778, OMIM 614492.

Submission:

Labcorp Genetics (formerly Invitae), Labcorp
Classification: Uncertain significance for Neuropathy, hereditary sensory and autonomic, type 2A; Pseudohypoaldosteronism type 2C. Last evaluated: 2022-10-18. Review status: criteria provided, single submitter. Criteria: Invitae Variant Classification Sherloc (09022015). Collection method: clinical testing. Allele origin: germline.
Comment: This sequence change replaces serine, which is neutral and polar, with leucine, which is neutral and non-polar, at codon 1203 of the WNK1 protein (p.Ser1203Leu). This variant is not present in population databases (gnomAD no frequency). This variant has not been reported in the literature in individuals affected with WNK1-related conditions. ClinVar contains an entry for this variant (Variation ID: 945362). Advanced modeling of protein sequence and biophysical properties (such as structural, functional, and spatial information, amino acid conservation, physicochemical variation, residue mobility, and thermodynamic stability) performed at Invitae indicates that this missense variant is not expected to disrupt WNK1 protein function. In summary, the available evidence is currently insufficient to determine the role of this variant in disease. Therefore, it has been classified as a Variant of Uncertain Significance.

NM_213655.5(WNK1):c.3608C>T (p.Ser1203Leu)

Gene: WNK1 (WNK lysine deficient protein kinase 1; plus strand). Cytogenetic location: 12p13.33.
Variant type: single nucleotide variant.
Coding change: c.3608C>T on transcript NM_213655.5 (MANE Plus Clinical); coding-DNA position 3608, C replaced by T.
Protein change: p.Ser1203Leu; replaces serine 1203 with leucine.
Molecular consequence: missense variant. On other transcripts: intron variant (2).
Genome position (GRCh38, 1-based): chr12:869,079, C>T. VCF-style: chr12-869079-C-T. GRCh37 (hg19) VCF-style: chr12-978245-C-T.
Other names: c.3353C>T, p.Ser1118Leu (NM_001184985.2); c.2140-2186C>T (NM_018979.4, NM_014823.3); short protein forms S1203L, S1118L.
Identifiers: ClinVar variation 945362 (VCV000945362.9), dbSNP rs1951924577, ClinGen allele CA383342468.